The following is an entry in ClinVar:

NM_001161403.3(LIMS2):c.276C>G (p.Asn92Lys)

Gene: LIMS2 (LIM zinc finger domain containing 2; minus strand). Cytogenetic location: 2q14.3.
Variant type: single nucleotide variant.
Coding change: c.276C>G on transcript NM_001161403.3 (MANE Select); coding-DNA position 276, C replaced by G.
Protein change: p.Asn92Lys; replaces asparagine 92 with lysine.
Molecular consequence: missense variant.
Genome position (GRCh38, 1-based): chr2:127,654,507, G>C on the plus strand (C>G on the coding strand, the complement: LIMS2 is on the minus strand). VCF-style: chr2-127654507-G-C. GRCh37 (hg19) VCF-style: chr2-128412081-G-C.
Other names: c.348C>G (NM_017980.4); c.342C>G, p.Asn114Lys (NM_001136037.4); c.261C>G, p.Asn87Lys (NM_001161404.2); c.348C>G, p.Asn116Lys (NM_017980.5); short protein forms N114K, N87K, N116K, N92K.
Identifiers: ClinVar variation 242438 (VCV000242438.4), dbSNP rs754385302.

ClinVar aggregate classification (germline): Uncertain significance. Review status: criteria provided, multiple submitters, no conflicts (2 of 4 stars). 2 submissions from 2 submitters: Uncertain significance (2). Last evaluated 2025-09-24.

Conditions:
Autosomal recessive limb-girdle muscular dystrophy type 2W (MDRCMTT). Also called: Muscular dystrophy, autosomal recessive, with cardiomyopathy and triangular tongue; Muscular dystrophy, limb-girdle, type 2W. Identifiers: MedGen C4225192, MONDO:0014788, OMIM 616827.
LIMS2-related disorder. Also called: LIMS2-related condition.

Allele frequency attached by ClinVar (database versions not stated): gnomAD 0.00003; TOPMed 0.00003; gnomAD exomes 0.00008 and 0.00002; ExAC 0.00003.

Submissions (2):

PreventionGenetics, part of Exact Sciences
Classification: Uncertain significance for LIMS2-related condition. Last evaluated: 2025-09-24. Review status: criteria provided, single submitter. Criteria: ACMG Guidelines, 2015. Collection method: clinical testing. Allele origin: germline.
Comment: The LIMS2 c.348C>G variant is predicted to result in the amino acid substitution p.Asn116Lys. In the literature, this variant is also referred to as c.342C>G (p.Asn114Lys) via NM_001136037. This variant has been reported along with two other LIMS2 variants in two siblings with limb girdle muscular dystrophy (LGMD), dilated cardiomyopathy, and triangular tongues. The c.362C>G (p.Pro121Leu) and the c.348C>G (p.Asn116Lys) variants were reported in cis and maternally-inherited and the c.1040T>C (p.Leu347Pro) variant was paternally-inherited (reported here via NM_0179840, however in the literature reported via NM_001136037, Chardon et al. 2015. PubMed ID: 25589244). The p.Pro121Leu and p.Asn116Lys variants were also identified in another patient with muscular dystrophy that was part of a cohort of individuals who underwent exome sequencing (Reuter et al. 2018. PubMed ID: 29431110, aka p.Asn87Lys and p.Pro92Leu). This variant is reported in 0.0046% of alleles in individuals of European (Non-Finnish) descent in gnomAD. Although we suspect that this variant may be pathogenic, at this time, the clinical significance of this variant is uncertain due to the absence of conclusive functional and genetic evidence.

Labcorp Genetics (formerly Invitae), Labcorp
Classification: Uncertain significance for Autosomal recessive limb-girdle muscular dystrophy type 2W. Last evaluated: 2024-08-06. Review status: criteria provided, single submitter. Criteria: Invitae Variant Classification Sherloc (09022015). Collection method: clinical testing. Allele origin: germline.
Comment: This sequence change replaces asparagine, which is neutral and polar, with lysine, which is basic and polar, at codon 114 of the LIMS2 protein (p.Asn114Lys). This variant is present in population databases (rs754385302, gnomAD 0.005%). This missense change has been observed in individual(s) with limb-girdle muscular dystrophy (PMID: 25589244). Advanced modeling of protein sequence and biophysical properties (such as structural, functional, and spatial information, amino acid conservation, physicochemical variation, residue mobility, and thermodynamic stability) performed at Invitae indicates that this missense variant is not expected to disrupt LIMS2 protein function with a negative predictive value of 80%. In summary, the available evidence is currently insufficient to determine the role of this variant in disease. Therefore, it has been classified as a Variant of Uncertain Significance.

Literature cited by the submitters: PubMed 25589244 (cited by Labcorp Genetics (formerly Invitae), Labcorp).